The following is an entry in ClinVar:

NM_000746.6(CHRNA7):c.241-1G>A

Gene: CHRNA7 (cholinergic receptor nicotinic alpha 7 subunit). Cytogenetic location: 15q13.3.
Variant type: single nucleotide variant.
Coding change: c.241-1G>A on transcript NM_000746.6 (MANE Select); the canonical splice acceptor site of the intron before coding-DNA position 241, G replaced by A.
Molecular consequence: splice acceptor variant.
Genome position (GRCh38, 1-based): chr15:32,111,789, G>A. VCF-style: chr15-32111789-G-A. GRCh37 (hg19) VCF-style: chr15-32403990-G-A.
Other names: c.328-1G>A (NM_001190455.3).
Identifiers: ClinVar variation 560979 (VCV000560979.2), dbSNP rs1566846736, ClinGen allele CA391898696.

ClinVar aggregate classification (germline): no classifications from unflagged records (0 of 4 stars; one submission).

Conditions:
Epilepsy, idiopathic generalized, susceptibility to, 7. Also called: Epilepsy, idiopathic generalized 7; EIG7. Identifiers: Orphanet 307, MedGen C2751729, MONDO:0011491, OMIM 604827.

Submission:

Baylor Genetics
Classification: Pathogenic for Epilepsy, idiopathic generalized, susceptibility to, 7. Last evaluated: 2017-09-01. Review status: flagged submission. Criteria: ACMG Guidelines, 2015. Collection method: clinical testing. Allele origin: paternal. Inheritance: Autosomal dominant inheritance. Affected: yes.
Comment: This splice mutation is categorized as deleterious according to ACMG guidelines (PMID:18414213). However, an additional de novo mutation in a separate gene was also present.
ClinVar note: Notes: This gene has been disputed as a cause of epilespsy by the ClinGen expert channel.
ClinVar note: Reason: Claim with insufficient supporting evidence

Literature cited by the submitters: PubMed 25326635.